The following is an entry in ClinVar:

ClinVar aggregate classification (germline): Uncertain significance (1 of 4 stars; one submission).

Conditions:
HUWE1-related disorder. Also called: HUWE1-related condition.

Submission:

PreventionGenetics, part of Exact Sciences
Classification: Uncertain significance for HUWE1-related condition. Last evaluated: 2026-08-02. Review status: criteria provided, single submitter. Criteria: ACMG Guidelines, 2015. Collection method: clinical testing. Allele origin: germline.
Comment: The HUWE1 c.8675A>G variant is predicted to result in the amino acid substitution p.Asp2892Gly. To our knowledge, this variant has not been reported in the literature or in a large population database (gnomAD), indicating this variant is rare. At this time, the clinical significance of this variant is uncertain due to the absence of conclusive functional and genetic evidence.

NM_031407.7(HUWE1):c.8675A>G (p.Asp2892Gly)

Gene: HUWE1 (HECT, UBA and WWE domain containing E3 ubiquitin protein ligase 1; minus strand). Cytogenetic location: Xp11.22.
Variant type: single nucleotide variant.
Coding change: c.8675A>G on transcript NM_031407.7 (MANE Select); coding-DNA position 8675, A replaced by G.
Protein change: p.Asp2892Gly; replaces aspartic acid 2892 with glycine.
Molecular consequence: missense variant.
Genome position (GRCh38, 1-based): chrX:53,552,713, T>C on the plus strand (A>G on the coding strand, the complement: HUWE1 is on the minus strand). VCF-style: chrX-53552713-T-C. GRCh37 (hg19) VCF-style: chrX-53579674-T-C.
Other names: c.8672A>G, p.Asp2891Gly (NM_001441048.1, NM_001441051.1, NM_001441053.1 and 2 more transcripts); c.8675A>G, p.Asp2892Gly (NM_001441049.1, NM_001441054.1, NM_001441057.1); c.8696A>G, p.Asp2899Gly (NM_001441050.1, NM_001441055.1); c.8273A>G, p.Asp2758Gly (NM_001441052.1); short protein forms D2891G, D2892G, D2899G, D2758G.
Identifiers: ClinVar variation 4988744 (VCV004988744.1).